The following is an entry in ClinVar:

ClinVar aggregate classification (germline): Uncertain significance (1 of 4 stars; one submission).

Conditions:
Alpha thalassemia-X-linked intellectual disability syndrome (ATRX). Also called: ALPHA-THALASSEMIA/MENTAL RETARDATION SYNDROME, X-LINKED; ATR, NONDELETION TYPE; ATR-X syndrome; Alpha thalassemia mental retardation syndrome, nondeletion type, X-linked; XLMR hypotonic face syndrome; X-linked alpha-thalassemia-mental retardation syndrome. Identifiers: Orphanet 847, MedGen C1845055, MONDO:0010519, OMIM 301040.

Submission:

Labcorp Genetics (formerly Invitae), Labcorp
Classification: Uncertain significance for Alpha thalassemia-X-linked intellectual disability syndrome. Last evaluated: 2023-11-13. Review status: criteria provided, single submitter. Criteria: Invitae Variant Classification Sherloc (09022015). Collection method: clinical testing. Allele origin: germline.
Comment: This sequence change replaces glutamic acid, which is acidic and polar, with aspartic acid, which is acidic and polar, at codon 723 of the ATRX protein (p.Glu723Asp). This variant is not present in population databases (gnomAD no frequency). This variant has not been reported in the literature in individuals affected with ATRX-related conditions. Advanced modeling of protein sequence and biophysical properties (such as structural, functional, and spatial information, amino acid conservation, physicochemical variation, residue mobility, and thermodynamic stability) performed at Invitae indicates that this missense variant is not expected to disrupt ATRX protein function with a negative predictive value of 95%. In summary, the available evidence is currently insufficient to determine the role of this variant in disease. Therefore, it has been classified as a Variant of Uncertain Significance.

NM_000489.6(ATRX):c.2169G>T (p.Glu723Asp)

Gene: ATRX (ATRX chromatin remodeler; minus strand). Cytogenetic location: Xq21.1.
Variant type: single nucleotide variant.
Coding change: c.2169G>T on transcript NM_000489.6 (MANE Select); coding-DNA position 2169, G replaced by T.
Protein change: p.Glu723Asp; replaces glutamic acid 723 with aspartic acid.
Molecular consequence: missense variant.
Genome position (GRCh38, 1-based): chrX:77,683,087, C>A on the plus strand (G>T on the coding strand, the complement: ATRX is on the minus strand). VCF-style: chrX-77683087-C-A. GRCh37 (hg19) VCF-style: chrX-76938579-C-A.
Other names: c.2055G>T, p.Glu685Asp (NM_138270.5); short protein forms E723D, E685D.
Identifiers: ClinVar variation 2695416 (VCV002695416.3), dbSNP rs61752456, ClinGen allele CA413713036.